The following is an entry in ClinVar:

ClinVar aggregate classification (germline): Uncertain significance (1 of 4 stars; one submission).

Conditions:
Inborn genetic diseases. Identifiers: MedGen C0950123, MeSH D030342.

Allele frequency attached by ClinVar (database versions not stated): gnomAD exomes below 0.00001; TOPMed below 0.00001.
gnomAD v4.1: 2 of 1,614,180 alleles (0.00012%); highest among the groups gnomAD compares: East Asian, 0.0045%; no homozygotes.

Submission:

Ambry Genetics
Classification: Uncertain significance for Inborn genetic diseases. Last evaluated: 2021-12-10. Review status: criteria provided, single submitter. Criteria: Ambry Variant Classification Scheme 2023. Collection method: clinical testing. Allele origin: germline.
Comment: The p.G378D variant (also known as c.1133G>A), located in coding exon 9 of the EPAS1 gene, results from a G to A substitution at nucleotide position 1133. The glycine at codon 378 is replaced by aspartic acid, an amino acid with similar properties. This amino acid position is conserved. In addition, this alteration is predicted to be tolerated by in silico analysis. Since supporting evidence is limited at this time, the clinical significance of this alteration remains unclear.

NM_001430.5(EPAS1):c.1133G>A (p.Gly378Asp)

Gene: EPAS1 (endothelial PAS domain protein 1; plus strand). Cytogenetic location: 2p21.
Variant type: single nucleotide variant.
Coding change: c.1133G>A on transcript NM_001430.5 (MANE Select); coding-DNA position 1133, G replaced by A.
Protein change: p.Gly378Asp; replaces glycine 378 with aspartic acid.
Molecular consequence: missense variant.
Genome position (GRCh38, 1-based): chr2:46,376,637, G>A. VCF-style: chr2-46376637-G-A. GRCh37 (hg19) VCF-style: chr2-46603776-G-A.
Other names: short protein forms G378D.
Identifiers: ClinVar variation 1729092 (VCV001729092.2), dbSNP rs1453711067, ClinGen allele CA346703257.